The following is an entry in ClinVar:

NM_005245.4(FAT1):c.13645G>A (p.Val4549Met)

Genes: FAT1 (FAT atypical cadherin 1; minus strand), LOC126807253 (BRD4-independent group 4 enhancer GRCh37_chr4:187509297-187510496; plus strand). Cytogenetic location: 4q35.2.
Variant type: single nucleotide variant.
Coding change: c.13645G>A on transcript NM_005245.4 (MANE Select); coding-DNA position 13645, G replaced by A.
Protein change: p.Val4549Met; replaces valine 4549 with methionine.
Molecular consequence: missense variant.
Genome position (GRCh38, 1-based): chr4:186,588,714, C>T on the plus strand (G>A on the coding strand, the complement: FAT1 is on the minus strand). VCF-style: chr4-186588714-C-T. GRCh37 (hg19) VCF-style: chr4-187509868-C-T.
Other names: short protein forms V4549M.
Identifiers: ClinVar variation 2408892 (VCV002408892.5), dbSNP rs371451914, ClinGen allele CA3164480.

ClinVar aggregate classification (germline): Uncertain significance. Review status: criteria provided, multiple submitters, no conflicts (2 of 4 stars). 3 submissions from 3 submitters: Uncertain significance (3). Last evaluated 2025-07-30.

Conditions:
Inborn genetic diseases. Identifiers: MedGen C0950123, MeSH D030342.

Allele frequency attached by ClinVar (database versions not stated): ExAC 0.00001; gnomAD exomes 0.00001; gnomAD 0.00003; ESP Exome Variant Server 0.00008; TOPMed 0.00012.
gnomAD v4.1: 25 of 1,613,830 alleles (0.0015%); highest among the groups gnomAD compares: African/African-American, 0.004%; no homozygotes.

Submissions (3):

Labcorp Genetics (formerly Invitae), Labcorp
Classification: Uncertain significance. Last evaluated: 2025-07-30. Review status: criteria provided, single submitter. Criteria: Invitae Variant Classification Sherloc (09022015). Collection method: clinical testing. Allele origin: germline.
Comment: This sequence change replaces valine, which is neutral and non-polar, with methionine, which is neutral and non-polar, at codon 4549 of the FAT1 protein (p.Val4549Met). This variant is present in population databases (rs371451914, gnomAD 0.003%). This variant has not been reported in the literature in individuals affected with FAT1-related conditions. ClinVar contains an entry for this variant (Variation ID: 2408892). An algorithm developed to predict the effect of missense changes on protein structure and function (PolyPhen-2) suggests that this variant is likely to be tolerated. In summary, the available evidence is currently insufficient to determine the role of this variant in disease. Therefore, it has been classified as a Variant of Uncertain Significance.

Ambry Genetics
Classification: Uncertain significance for Inborn genetic diseases. Last evaluated: 2024-08-19. Review status: criteria provided, single submitter. Criteria: Ambry Variant Classification Scheme 2023. Collection method: clinical testing. Allele origin: germline.

GeneDx
Classification: Uncertain significance. Last evaluated: 2023-01-26. Review status: criteria provided, single submitter. Criteria: GeneDx Variant Classification Process June 2021. Collection method: clinical testing. Allele origin: germline. Affected: yes.
Comment: Not observed at significant frequency in large population cohorts (gnomAD); In silico analysis supports that this missense variant does not alter protein structure/function; Has not been previously published as pathogenic or benign to our knowledge